The following is an entry in ClinVar:

ClinVar aggregate classification (germline): Uncertain significance (1 of 4 stars; one submission).

Conditions:
Inborn genetic diseases. Identifiers: MedGen C0950123, MeSH D030342.

Allele frequency attached by ClinVar (database versions not stated): gnomAD exomes 0.00001; TOPMed 0.00001.
gnomAD v4.1: 11 of 1,613,910 alleles (0.00068%); highest among the groups gnomAD compares: South Asian, 0.0011%; no homozygotes.

Submission:

Ambry Genetics
Classification: Uncertain significance for Inborn genetic diseases. Last evaluated: 2018-03-10. Review status: criteria provided, single submitter. Criteria: Ambry Variant Classification Scheme 2023. Collection method: clinical testing. Allele origin: germline.
Comment: The p.R1311C variant (also known as c.3931C>T), located in coding exon 6 of the NSD1 gene, results from a C to T substitution at nucleotide position 3931. The arginine at codon 1311 is replaced by cysteine, an amino acid with highly dissimilar properties. This amino acid position is well conserved in available vertebrate species. In addition, the in silico prediction for this alteration is inconclusive. Since supporting evidence is limited at this time, the clinical significance of this alteration remains unclear.

NM_022455.5(NSD1):c.3931C>T (p.Arg1311Cys)

Gene: NSD1 (nuclear receptor binding SET domain protein 1; plus strand). Cytogenetic location: 5q35.3.
Variant type: single nucleotide variant.
Coding change: c.3931C>T on transcript NM_022455.5 (MANE Select); coding-DNA position 3931, C replaced by T.
Protein change: p.Arg1311Cys; replaces arginine 1311 with cysteine.
Molecular consequence: missense variant.
Genome position (GRCh38, 1-based): chr5:177,238,246, C>T. VCF-style: chr5-177238246-C-T. GRCh37 (hg19) VCF-style: chr5-176665247-C-T.
Other names: c.3058C>T, p.Arg1020Cys (NM_001365684.2, NM_001409306.1, NM_001409307.1 and 3 more transcripts); c.3931C>T, p.Arg1311Cys (NM_001409301.1, NM_001409302.1, NM_001409303.1); c.3511C>T, p.Arg1171Cys (NM_001409304.1); c.3178C>T, p.Arg1060Cys (NM_001409305.1); short protein forms R1311C, R1042C, R1020C, R1060C, R1171C.
Identifiers: ClinVar variation 1736273 (VCV001736273.2), dbSNP rs886060443, ClinGen allele CA10620084.